The following is an entry in ClinVar:

NM_000719.7(CACNA1C):c.5451C>T (p.His1817=)

Genes: CACNA1C (calcium voltage-gated channel subunit alpha1 C; plus strand), CACNA1C-AS1 (CACNA1C antisense RNA 1; minus strand). Cytogenetic location: 12p13.33.
Variant type: single nucleotide variant.
Coding change: c.5451C>T on transcript NM_000719.7 (MANE Select); coding-DNA position 5451, C replaced by T.
Protein change: p.His1817=; no amino-acid change (histidine 1817 retained).
Molecular consequence: synonymous variant.
Genome position (GRCh38, 1-based): chr12:2,682,556, C>T. VCF-style: chr12-2682556-C-T. GRCh37 (hg19) VCF-style: chr12-2791722-C-T.
Other names: c.5595C>T, p.His1865= (NM_001129827.2); c.5574C>T, p.His1858= (NM_001129829.2); c.5556C>T, p.His1852= (NM_001129830.3, NM_001167624.3); c.5535C>T, p.His1845= (NM_001129831.2); c.5511C>T, p.His1837= (NM_001129832.2); c.5508C>T, p.His1836= (NM_001129833.2, NM_001129834.2, NM_001129835.2); c.5502C>T, p.His1834= (NM_001129836.2); c.5475C>T, p.His1825= (NM_001129837.2, NM_001129838.2); and 7 more.
Identifiers: ClinVar variation 93414 (VCV000093414.72), dbSNP rs113239186, ClinGen allele CA146922.

ClinVar aggregate classification (germline): Benign/Likely benign. Review status: criteria provided, multiple submitters, no conflicts (2 of 4 stars). 12 submissions from 12 submitters: Benign (2); Likely benign (7). 3 of the submissions do not count toward it. Last evaluated 2026-05-01.

Conditions:
Cardiovascular phenotype. Identifiers: MedGen CN230736.
CACNA1C-related disorder. Also called: CACNA1C-related condition; CACNA1C-related disorders. Identifiers: MedGen CN381092, MONDO:0700321.
Long QT syndrome (LQTS). Identifiers: MedGen C0023976, MeSH D008133, MONDO:0002442. Disease mechanism: loss of function. Inheritance: Various modes of inheritance.

Allele frequency attached by ClinVar (database versions not stated): 1000 Genomes Project 30x 0.00016; 1000 Genomes Project 0.00020; ESP Exome Variant Server 0.00048; gnomAD exomes 0.00051; ExAC 0.00052; gnomAD 0.00061 and 0.00063; TOPMed 0.00062.
gnomAD v4.1: 1,113 of 1,612,158 alleles (0.069%); highest among the groups gnomAD compares: Middle Eastern, 0.31%; 1 homozygote.

Submissions (12):

CeGaT Center for Human Genetics Tuebingen
Classification: Likely benign. Last evaluated: 2026-05-01. Review status: criteria provided, single submitter. Criteria: CeGaT Center For Human Genetics Tuebingen Variant Classification Criteria Version 2. Collection method: clinical testing. Allele origin: germline. Affected: yes. Observed: 10 variant alleles.
Comment: CACNA1C: BP4, BS1

Labcorp Genetics (formerly Invitae), Labcorp
Classification: Likely benign for Long QT syndrome. Last evaluated: 2026-01-31. Review status: criteria provided, single submitter. Criteria: Invitae Variant Classification Sherloc (09022015). Collection method: clinical testing. Allele origin: germline.

Molecular Diagnostic Laboratory for Inherited Cardiovascular Disease, Montreal Heart Institute
Classification: Benign. Last evaluated: 2025-04-09. Review status: criteria provided, single submitter. Criteria: ACMG Guidelines, 2015. Collection method: clinical testing. Allele origin: germline. Affected: no.

Blueprint Genetics
Classification: Likely benign. Last evaluated: 2024-11-19. Review status: criteria provided, single submitter. Criteria: ACMG Guidelines, 2015. Collection method: clinical testing. Allele origin: germline.

ARUP Laboratories, Molecular Genetics and Genomics, ARUP Laboratories
Classification: Likely benign. Last evaluated: 2019-04-12. Review status: criteria provided, single submitter. Criteria: ARUP Molecular Germline Variant Investigation Process. Collection method: clinical testing. Allele origin: germline.

Ambry Genetics
Classification: Likely benign for Cardiovascular phenotype. Last evaluated: 2016-10-25. Review status: criteria provided, single submitter. Criteria: Ambry Variant Classification Scheme 2023. Collection method: clinical testing. Allele origin: germline.

GeneDx
Classification: Benign. Last evaluated: 2015-03-03. Review status: criteria provided, single submitter. Criteria: GeneDx Variant Classification Process June 2021. Collection method: clinical testing. Allele origin: germline. Affected: yes.

Eurofins Ntd Llc (ga)
Classification: Likely benign. Last evaluated: 2014-04-03. Review status: criteria provided, single submitter. Criteria: EGL Classification Definitions 2015. Collection method: clinical testing. Allele origin: germline. Observed: 5 variant alleles, 5 heterozygotes.

Breakthrough Genomics
Classification: Likely benign. Review status: criteria provided, single submitter. Criteria: ACMG Guidelines, 2015. Collection method: not provided. Allele origin: germline. Inheritance: Autosomal dominant inheritance. Affected: yes.

PreventionGenetics, part of Exact Sciences
Classification: Likely benign for CACNA1C-related condition. Last evaluated: 2019-12-20. Review status: no assertion criteria provided. Collection method: clinical testing. Allele origin: germline. Not counted in ClinVar's aggregate classification.
Comment: This variant is classified as likely benign based on ACMG/AMP sequence variant interpretation guidelines (Richards et al. 2015 PMID: 25741868, with internal and published modifications).

Clinical Genetics DNA and cytogenetics Diagnostics Lab, Erasmus MC, Erasmus Medical Center
Classification: Likely benign. Review status: no assertion criteria provided. Collection method: clinical testing. Allele origin: germline. Affected: yes. Study: VKGL Data-share Consensus. Not counted in ClinVar's aggregate classification.

Clinical Genetics, Academic Medical Center
Classification: Benign. Review status: no assertion criteria provided. Collection method: clinical testing. Allele origin: germline. Affected: yes. Study: VKGL Data-share Consensus. Not counted in ClinVar's aggregate classification.